The following is an entry in ClinVar:

ClinVar aggregate classification (germline): Likely pathogenic (1 of 4 stars; one submission).

Conditions:
Dilated cardiomyopathy 1G (CMD1G). Identifiers: Orphanet 154, MedGen C1858763, MONDO:0011400, OMIM 604145.

Submission:

Victorian Clinical Genetics Services, Murdoch Childrens Research Institute
Classification: Likely pathogenic for Dilated cardiomyopathy 1G. Last evaluated: 2026-03-17. Review status: criteria provided, single submitter. Criteria: ACMG Guidelines, 2015. Collection method: clinical testing. Allele origin: germline.
Comment: This variant is classified as Likely pathogenic. Evidence in support of pathogenic classification: Variant is predicted to cause nonsense-mediated decay (NMD) and loss of protein (premature termination codon is located at least 54 nucleotides upstream of the final exon-exon junction); Variant is absent from gnomAD (v2, v3 and v4); Other NMD-predicted variants comparable to the one identified in this case have strong previous evidence for pathogenicity (ClinVar). Additional information: This variant is heterozygous; This gene is associated with both recessive and dominant disease (OMIM); This variant has no previous evidence of pathogenicity; No published evidence of segregation with disease has been identified for this variant; No published functional evidence has been identified for this variant; Variant is located in the annotated I-band and the exon has a PSI score of 100% (PMID: 25589632); Loss of function is a known mechanism of disease in this gene. In addition, dominant negative is also a suggested mechanism. (PMID: 25589632); The condition associated with this gene has incomplete penetrance. Variants in this gene that result in a premature termination codon (PTC) are known to have reduced penetrance in DCM (PMID: 25589632); Inheritance information for this variant is not currently available in this individual.

Literature cited by the submitters: PubMed 25589632.

NM_001267550.2(TTN):c.44285_44288del (p.Arg14762fs)

Gene: TTN (titin; minus strand). Cytogenetic location: 2q31.2.
Variant type: Deletion.
Coding change: c.44285_44288del on transcript NM_001267550.2 (MANE Select); coding-DNA positions 44285 to 44288, 4 bases deleted (GAGT; older notation c.44285_44288delGAGT).
Protein change: p.Arg14762fs; shifts the reading frame from arginine 14762.
Molecular consequence: frameshift variant.
Genome position (GRCh38, 1-based): chr2:178,629,437-178,629,440, ACTC deleted on the plus strand (GAGT on the coding strand, the reverse complement: TTN is on the minus strand). VCF-style (leftmost placement, unchanged base first): chr2-178629436-TACTC-T. GRCh37 (hg19) VCF-style: chr2-179494163-TACTC-T.
Other names: c.39362_39365del, p.Arg13121fs (NM_001256850.1); c.17090_17093del, p.Arg5697fs (NM_003319.4); c.36581_36584del, p.Arg12194fs (NM_133378.4); c.17465_17468del, p.Arg5822fs (NM_133432.3); c.17666_17669del, p.Arg5889fs (NM_133437.4); short protein forms R12194fs, R13121fs, R14762fs, R5697fs, R5822fs, R5889fs.
Identifiers: ClinVar variation 4879678 (VCV004879678.1).